The following is an entry in ClinVar:

NM_001429.4(EP300):c.4107T>G (p.Val1369=)

Gene: EP300 (EP300 lysine acetyltransferase; plus strand). Cytogenetic location: 22q13.2.
Variant type: single nucleotide variant.
Coding change: c.4107T>G on transcript NM_001429.4 (MANE Select); coding-DNA position 4107, T replaced by G.
Protein change: p.Val1369=; no amino-acid change (valine 1369 retained).
Molecular consequence: synonymous variant.
Genome position (GRCh38, 1-based): chr22:41,168,802, T>G. VCF-style: chr22-41168802-T-G. GRCh37 (hg19) VCF-style: chr22-41564806-T-G.
Other names: c.4029T>G, p.Val1343= (NM_001362843.2); c.4107T>G (NM_001429.3).
Identifiers: ClinVar variation 3699719 (VCV003699719.3).

ClinVar aggregate classification (germline): Likely benign. Review status: criteria provided, multiple submitters, no conflicts (2 of 4 stars). 2 submissions from 2 submitters: Likely benign (2). Last evaluated 2025-01-13.

Conditions:
EP300-related disorder. Also called: EP300-related disorders; EP300-related condition.
Rubinstein-Taybi syndrome due to EP300 haploinsufficiency. Also called: EP300-Related Rubinstein-Taybi Syndrome; RUBINSTEIN-TAYBI SYNDROME 2. Identifiers: Orphanet 353284, Orphanet 783, MedGen C3150941, MONDO:0013364, OMIM 613684.

gnomAD v4.1: 1 of 1,614,210 alleles (0.000062%); highest among the groups gnomAD compares: Admixed American, 0.0017%; no homozygotes.

Submissions (2):

PreventionGenetics, part of Exact Sciences
Classification: Likely benign for EP300-related condition. Last evaluated: 2025-01-13. Review status: criteria provided, single submitter. Criteria: ACMG Guidelines, 2015. Collection method: clinical testing. Allele origin: germline.
Comment: This variant is classified as likely benign based on ACMG/AMP sequence variant interpretation guidelines (Richards et al. 2015 PMID: 25741868, with internal and published modifications).

Labcorp Genetics (formerly Invitae), Labcorp
Classification: Likely benign for Rubinstein-Taybi syndrome due to EP300 haploinsufficiency. Last evaluated: 2024-05-12. Review status: criteria provided, single submitter. Criteria: Invitae Variant Classification Sherloc (09022015). Collection method: clinical testing. Allele origin: germline.